The following is an entry in ClinVar:

NM_000169.3(GLA):c.216G>A (p.Met72Ile)

Genes: GLA (galactosidase alpha; minus strand), RPL36A-HNRNPH2 (RPL36A-HNRNPH2 readthrough; plus strand). Cytogenetic location: Xq22.1.
Variant type: single nucleotide variant.
Coding change: c.216G>A on transcript NM_000169.3 (MANE Select); coding-DNA position 216, G replaced by A.
Protein change: p.Met72Ile; replaces methionine 72 with isoleucine.
Molecular consequence: missense variant. On other transcripts: non-coding transcript variant (3), intron variant (2).
Genome position (GRCh38, 1-based): chrX:101,403,964, C>T on the plus strand (G>A on the coding strand, the complement: GLA is on the minus strand). VCF-style: chrX-101403964-C-T. GRCh37 (hg19) VCF-style: chrX-100658952-C-T.
Other names: c.339G>A, p.Met113Ile (NM_001406747.1, NM_001406749.1); c.216G>A, p.Met72Ile (NM_001406748.1); c.301-7972C>T (NM_001199973.2); c.178-7972C>T (NM_001199974.2); short protein forms M113I, M72I.
Identifiers: ClinVar variation 3769189 (VCV003769189.4).
Genomic context (GRCh38, chrX:101,403,964, plus strand): 5'-ATCAATGCAGAGGTACTCATAACCTGCATCCTTCCAGCCTTCTGAGACCATGAGCTCTGC[C>T]ATCTCCATGAAGAGCTTCTCACTGAAAGAGAAATTCCAATAATCATTACAATTCATTAAA-3'
Protein context (NP_000160.1, residues 62-82): SCISEKLFME[Met72Ile]AELMVSEGWK

ClinVar aggregate classification (germline): Uncertain significance. Review status: criteria provided, multiple submitters, no conflicts (2 of 4 stars). 2 submissions from 2 submitters: Uncertain significance (2). Last evaluated 2026-09-08.

Conditions:
Fabry disease. Also called: Fabry's disease; ALPHA-GALACTOSIDASE A DEFICIENCY; ANDERSON-FABRY DISEASE; CERAMIDE TRIHEXOSIDASE DEFICIENCY; GLA DEFICIENCY; HEREDITARY DYSTOPIC LIPIDOSIS. Identifiers: Orphanet 324, MedGen C0002986, MONDO:0010526, OMIM 301500, HP:0001071. Disease mechanism: Fabry disease is due to inactivating mutations in the X-linked GLA gene resulting in deficiency of the enzyme Alpha Galactosidase-A., loss of function.

Submissions (2):

Genomenon, Inc
Classification: Uncertain significance for Fabry disease. Last evaluated: 2026-09-08. Review status: criteria provided, single submitter. Criteria: Genomenon Sequence Variant Interpretation Standards - Updated. Collection method: curation. Allele origin: germline. Affected: yes.
Comment: GLA p.Met72Ile (c.216G>A) is a missense variant that changes the amino acid at codon 72 from Methionine to Isoleucine. This variant has been observed in at least one proband with clinical features consistent with Fabry disease (PMID:12428061). Functional or patient cell studies have been reported (PMID:27657681). It is absent or not present at a significant frequency in gnomAD. In silico models predict that this variant is possibly or probably damaging. In conclusion, we classify GLA p.Met72Ile (c.216G>A) as a variant of uncertain significance.

Women's Health and Genetics/Laboratory Corporation of America, LabCorp
Classification: Uncertain significance. Last evaluated: 2025-01-08. Review status: criteria provided, single submitter. Criteria: LabCorp Variant Classification Summary - May 2015. Collection method: clinical testing. Allele origin: germline.
Comment: Variant summary: GLA c.216G>A (p.Met72Ile) results in a conservative amino acid change located in the glycosyl hydrolase family 27 (GH27) domain (IPR002241) of the encoded protein sequence. Three of five in-silico tools predict a benign effect of the variant on protein function. The variant was absent in 183062 control chromosomes. The available data on variant occurrences in the general population are insufficient to allow any conclusion about variant significance. c.216G>A has been reported in the literature in at-least one individual affected with Fabry Disease (Germain_2002). These data do not allow any conclusion about variant significance. To our knowledge, no experimental evidence demonstrating an impact on protein function has been reported. The following publication has been ascertained in the context of this evaluation (PMID: 12428061). No submitters have cited clinical-significance assessments for this variant to ClinVar. Based on the evidence outlined above, the variant was classified as uncertain significance.

Literature cited by the submitters: PubMed 12428061 (cited by Genomenon, Inc and Women's Health and Genetics/Laboratory Corporation of America, LabCorp); PubMed 27657681 (cited by Genomenon, Inc).